The following is an entry in ClinVar:

NM_138459.5(NUS1):c.127G>A (p.Ala43Thr)

Gene: NUS1 (NUS1 dehydrodolichyl diphosphate synthase subunit; plus strand). Cytogenetic location: 6q22.1.
Variant type: single nucleotide variant.
Coding change: c.127G>A on transcript NM_138459.5 (MANE Select); coding-DNA position 127, G replaced by A.
Protein change: p.Ala43Thr; replaces alanine 43 with threonine.
Molecular consequence: missense variant.
Genome position (GRCh38, 1-based): chr6:117,675,797, G>A. VCF-style: chr6-117675797-G-A. GRCh37 (hg19) VCF-style: chr6-117996960-G-A.
Other names: short protein forms A43T.
Identifiers: ClinVar variation 1058249 (VCV001058249.9), dbSNP rs1327892878, ClinGen allele CA365535960.

ClinVar aggregate classification (germline): Uncertain significance (1 of 4 stars; one submission).

Conditions:
Congenital disorder of glycosylation, type Iaa. Also called: Congenital disorder of glycosylation, type 1aa. Identifiers: MedGen C4310727, MONDO:0014904, OMIM 617082.

Submission:

Labcorp Genetics (formerly Invitae), Labcorp
Classification: Uncertain significance for Congenital disorder of glycosylation, type Iaa. Last evaluated: 2020-09-24. Review status: criteria provided, single submitter. Criteria: Invitae Variant Classification Sherloc (09022015). Collection method: clinical testing. Allele origin: germline.
Comment: In summary, the available evidence is currently insufficient to determine the role of this variant in disease. Therefore, it has been classified as a Variant of Uncertain Significance. Algorithms developed to predict the effect of missense changes on protein structure and function are either unavailable or do not agree on the potential impact of this missense change (SIFT: "Tolerated"; PolyPhen-2: "Probably Damaging"; Align-GVGD: "Class C0"). This variant has not been reported in the literature in individuals with NUS1-related conditions. The frequency data for this variant in the population databases is considered unreliable, as metrics indicate insufficient coverage at this position in the ExAC database. This sequence change replaces alanine with threonine at codon 43 of the NUS1 protein (p.Ala43Thr). The alanine residue is moderately conserved and there is a small physicochemical difference between alanine and threonine.